The following is an entry in ClinVar:

NM_000939.4(POMC):c.268C>T (p.Arg90Cys)

Gene: POMC (proopiomelanocortin; minus strand). Cytogenetic location: 2p23.3.
Variant type: single nucleotide variant.
Coding change: c.268C>T on transcript NM_000939.4 (MANE Select); coding-DNA position 268, C replaced by T.
Protein change: p.Arg90Cys; replaces arginine 90 with cysteine.
Molecular consequence: missense variant.
Genome position (GRCh38, 1-based): chr2:25,161,617, G>A on the plus strand (C>T on the coding strand, the complement: POMC is on the minus strand). VCF-style: chr2-25161617-G-A. GRCh37 (hg19) VCF-style: chr2-25384486-G-A.
Other names: c.268C>T, p.Arg90Cys (NM_001035256.3, NM_001319204.2, NM_001319205.2); short protein forms R90C.
Identifiers: ClinVar variation 4977348 (VCV004977348.1).

ClinVar aggregate classification (germline): Uncertain significance (1 of 4 stars; one submission).

Conditions:
POMC-related disorder. Also called: POMC-related condition; POMC-related disorders.

gnomAD v4.1: 23 of 1,532,244 alleles (0.0015%); highest among the groups gnomAD compares: South Asian, 0.021%; no homozygotes.

Submission:

PreventionGenetics, part of Exact Sciences
Classification: Uncertain significance for POMC-related condition. Last evaluated: 2024-12-27. Review status: criteria provided, single submitter. Criteria: ACMG Guidelines, 2015. Collection method: clinical testing. Allele origin: germline.
Comment: The POMC c.268C>T variant is predicted to result in the amino acid substitution p.Arg90Cys. This variant was observed in a cohort of individuals with obesity, and in vitro functional studies showed this variant did not reduce protein function and could cause increased function (Supplemental Data Set 3, Shah et al. 2023. PubMed ID: 36864747). An alternate missense alteration at the same amino acid position has been reported in an individual with severe obesity (p.Arg90Leu; da Fonseca et al. 2021. PubMed ID: 32578125). This variant is reported in 0.017% of alleles in individuals of South Asian descent in gnomAD. At this time, the clinical significance of this variant is uncertain due to the absence of conclusive functional and genetic evidence.